The following is an entry in ClinVar:

ClinVar aggregate classification (germline): Uncertain significance. Review status: criteria provided, multiple submitters, no conflicts (2 of 4 stars). 3 submissions from 3 submitters: Uncertain significance (2). 1 of the submissions does not count toward it. Last evaluated 2025-08-06.

Conditions:
Fanconi anemia (FA). Also called: Fanconi's anemia. Identifiers: Orphanet 84, MedGen C0015625, MeSH D005199, MONDO:0019391.

Allele frequency attached by ClinVar (database versions not stated): gnomAD exomes below 0.00001; ExAC 0.00001; gnomAD 0.00001.
gnomAD v4.1: 2 of 1,614,030 alleles (0.00012%); highest among the groups gnomAD compares: Non-Finnish European, 0.00017%; no homozygotes.

Submissions (3):

Quest Diagnostics Nichols Institute San Juan Capistrano
Classification: Uncertain significance. Last evaluated: 2025-08-06. Review status: criteria provided, single submitter. Criteria: Quest Diagnostics criteria. Collection method: clinical testing. Allele origin: unknown.
Comment: The FANCA c.1297G>A (p.Val433Ile) variant has been reported in the published literature in an individual with epithelial ovarian cancer (PMID: 32546565 (2021)). The frequency of this variant in the general population (Genome Aggregation Database) is uninformative in the assessment of its pathogenicity. Analysis of this variant using bioinformatics tools for the prediction of the effect of amino acid changes on protein structure and function yielded predictions that this variant is benign. Based on the available information, we are unable to determine the clinical significance of this variant.

Labcorp Genetics (formerly Invitae), Labcorp
Classification: Uncertain significance for Fanconi anemia. Last evaluated: 2024-10-15. Review status: criteria provided, single submitter. Criteria: Invitae Variant Classification Sherloc (09022015). Collection method: clinical testing. Allele origin: germline.
Comment: This sequence change replaces valine, which is neutral and non-polar, with isoleucine, which is neutral and non-polar, at codon 433 of the FANCA protein (p.Val433Ile). This variant is present in population databases (rs753987812, gnomAD 0.0009%). This variant has not been reported in the literature in individuals affected with FANCA-related conditions. ClinVar contains an entry for this variant (Variation ID: 1060760). Invitae Evidence Modeling of protein sequence and biophysical properties (such as structural, functional, and spatial information, amino acid conservation, physicochemical variation, residue mobility, and thermodynamic stability) indicates that this missense variant is not expected to disrupt FANCA protein function with a negative predictive value of 95%. In summary, the available evidence is currently insufficient to determine the role of this variant in disease. Therefore, it has been classified as a Variant of Uncertain Significance.

Natera, Inc.
Classification: Uncertain significance for Fanconi anemia. Last evaluated: 2020-09-29. Review status: no assertion criteria provided. Collection method: clinical testing. Allele origin: germline. Not counted in ClinVar's aggregate classification.

Literature cited by the submitters: PubMed 32546565 (cited by Quest Diagnostics Nichols Institute San Juan Capistrano).

NM_000135.4(FANCA):c.1297G>A (p.Val433Ile)

Gene: FANCA (FA complementation group A; minus strand). Cytogenetic location: 16q24.3.
Variant type: single nucleotide variant.
Coding change: c.1297G>A on transcript NM_000135.4 (MANE Select); coding-DNA position 1297, G replaced by A.
Protein change: p.Val433Ile; replaces valine 433 with isoleucine.
Molecular consequence: missense variant.
Genome position (GRCh38, 1-based): chr16:89,791,465, C>T on the plus strand (G>A on the coding strand, the complement: FANCA is on the minus strand). VCF-style: chr16-89791465-C-T. GRCh37 (hg19) VCF-style: chr16-89857873-C-T.
Other names: c.1297G>A, p.Val433Ile (NM_001286167.3); c.1297G>A (NM_000135.3); short protein forms V433I.
Identifiers: ClinVar variation 1060760 (VCV001060760.12), dbSNP rs753987812, ClinGen allele CA8252409.